The following is an entry in ClinVar:

ClinVar aggregate classification (germline): Uncertain significance (1 of 4 stars; one submission).

Conditions:
Legius syndrome. Identifiers: Orphanet 137605, MedGen C1969623, MONDO:0012669, OMIM 611431. Disease mechanism: loss of function.

Submission:

Labcorp Genetics (formerly Invitae), Labcorp
Classification: Uncertain significance for Legius syndrome. Last evaluated: 2022-09-10. Review status: criteria provided, single submitter. Criteria: Invitae Variant Classification Sherloc (09022015). Collection method: clinical testing. Allele origin: germline.
Comment: In summary, the available evidence is currently insufficient to determine the role of this variant in disease. Therefore, it has been classified as a Variant of Uncertain Significance. Advanced modeling of protein sequence and biophysical properties (such as structural, functional, and spatial information, amino acid conservation, physicochemical variation, residue mobility, and thermodynamic stability) performed at Invitae indicates that this missense variant is not expected to disrupt SPRED1 protein function. This variant has not been reported in the literature in individuals affected with SPRED1-related conditions. This variant is not present in population databases (gnomAD no frequency). This sequence change replaces histidine, which is basic and polar, with tyrosine, which is neutral and polar, at codon 236 of the SPRED1 protein (p.His236Tyr).

NM_152594.3(SPRED1):c.706C>T (p.His236Tyr)

Gene: SPRED1 (sprouty related EVH1 domain containing 1; plus strand). Cytogenetic location: 15q14.
Variant type: single nucleotide variant.
Coding change: c.706C>T on transcript NM_152594.3 (MANE Select); coding-DNA position 706, C replaced by T.
Protein change: p.His236Tyr; replaces histidine 236 with tyrosine.
Molecular consequence: missense variant.
Genome position (GRCh38, 1-based): chr15:38,351,035, C>T. VCF-style: chr15-38351035-C-T. GRCh37 (hg19) VCF-style: chr15-38643236-C-T.
Other names: short protein forms H236Y.
Identifiers: ClinVar variation 2168624 (VCV002168624.4), dbSNP rs2542742399, ClinGen allele CA391933054.
Genomic context (GRCh38, chr15:38,351,035, plus strand): 5'-CATAGCCCTCATTGCAGTTTTTATCTGTTTCTTTTTTAGGTCCCTTTGAAATCAATCAGA[C>T]ATGTCAGCTTTCAAGATGAGGATGAGATTGTCAGAATAAACCCTCGAGATATCTTAATAC-3'
Protein context (NP_689807.1, residues 226-246): QNRVPLKSIR[His236Tyr]VSFQDEDEIV